The following is an entry in ClinVar:

NM_170606.3(KMT2C):c.14410A>G (p.Ile4804Val)

Gene: KMT2C (lysine methyltransferase 2C; minus strand). Cytogenetic location: 7q36.1.
Variant type: single nucleotide variant.
Coding change: c.14410A>G on transcript NM_170606.3 (MANE Select); coding-DNA position 14410, A replaced by G.
Protein change: p.Ile4804Val; replaces isoleucine 4804 with valine.
Molecular consequence: missense variant.
Genome position (GRCh38, 1-based): chr7:152,139,725, T>C on the plus strand (A>G on the coding strand, the complement: KMT2C is on the minus strand). VCF-style: chr7-152139725-T-C. GRCh37 (hg19) VCF-style: chr7-151836810-T-C.
Other names: c.14410A>G (NM_170606.2); short protein forms I4804V.
Identifiers: ClinVar variation 1985981 (VCV001985981.6), dbSNP rs760982267, ClinGen allele CA4578420.

ClinVar aggregate classification (germline): Conflicting classifications of pathogenicity. Review status: criteria provided, conflicting classifications (1 of 4 stars). 3 submissions from 3 submitters: Uncertain significance (1); Likely benign (2). Last evaluated 2025-07-15.

Conditions:
Inborn genetic diseases. Identifiers: MedGen C0950123, MeSH D030342.

Allele frequency attached by ClinVar (database versions not stated): ExAC 0.00001; gnomAD exomes 0.00001; TOPMed 0.00002.
gnomAD v4.1: 12 of 1,614,152 alleles (0.00074%); highest among the groups gnomAD compares: South Asian, 0.0022%; no homozygotes.

Submissions (3):

Ambry Genetics
Classification: Uncertain significance for Inborn genetic diseases. Last evaluated: 2025-07-15. Review status: criteria provided, single submitter. Criteria: Ambry Variant Classification Scheme 2023. Collection method: clinical testing. Allele origin: germline.

Women's Health and Genetics/Laboratory Corporation of America, LabCorp
Classification: Likely benign. Last evaluated: 2023-10-10. Review status: criteria provided, single submitter. Criteria: LabCorp Variant Classification Summary - May 2015. Collection method: clinical testing. Allele origin: germline.
Comment: Variant summary: KMT2C c.14410A>G (p.Ile4804Val) results in a conservative amino acid change located in the SET domain (IPR001214) of the encoded protein sequence. Three of four in-silico tools predict a benign effect of the variant on protein function. The variant allele was found at a frequency of 1.2e-05 (i.e. in 3 carriers) in 251488 control chromosomes (gnomAD). In addition, the variant was reported in 4 heterozygous healthy individuals in other control databases (PMIDs: 33179747, 31180159, 32355288). To our knowledge, no occurrence of c.14410A>G in individuals affected with Kleefstra Syndrome 2 and no experimental evidence demonstrating its impact on protein function have been reported. One submitter has cited clinical-significance assessments for this variant to ClinVar after 2014 and has classified the variant as likely benign. Based on the evidence outlined above, the variant was classified as likely benign.

Labcorp Genetics (formerly Invitae), Labcorp
Classification: Likely benign. Last evaluated: 2022-06-28. Review status: criteria provided, single submitter. Criteria: Invitae Variant Classification Sherloc (09022015). Collection method: clinical testing. Allele origin: germline.